The following is an entry in ClinVar:

ClinVar aggregate classification (germline): Uncertain significance (1 of 4 stars; one submission).

Submission:

GeneDx
Classification: Uncertain significance. Last evaluated: 2023-11-21. Review status: criteria provided, single submitter. Criteria: GeneDx Variant Classification Process June 2021. Collection method: clinical testing. Allele origin: germline. Affected: yes.
Comment: Not observed at significant frequency in large population cohorts (gnomAD); In silico analysis supports that this missense variant has a deleterious effect on protein structure/function; Has not been previously published as pathogenic or benign to our knowledge

NM_001384732.1(CPLANE1):c.3560T>A (p.Val1187Glu)

Gene: CPLANE1 (ciliogenesis and planar polarity effector complex subunit 1; minus strand). Cytogenetic location: 5p13.2.
Variant type: single nucleotide variant.
Coding change: c.3560T>A on transcript NM_001384732.1 (MANE Select); coding-DNA position 3560, T replaced by A.
Protein change: p.Val1187Glu; replaces valine 1187 with glutamic acid.
Molecular consequence: missense variant.
Genome position (GRCh38, 1-based): chr5:37,198,814, A>T on the plus strand (T>A on the coding strand, the complement: CPLANE1 is on the minus strand). VCF-style: chr5-37198814-A-T. GRCh37 (hg19) VCF-style: chr5-37198916-A-T.
Other names: c.3560T>A, p.Val1187Glu (NM_023073.4); short protein forms V1187E.
Identifiers: ClinVar variation 3364619 (VCV003364619.1).